The following is an entry in ClinVar:

NM_015909.4(NBAS):c.5425A>C (p.Ser1809Arg)

Gene: NBAS (NBAS subunit of NRZ tethering complex; minus strand). Cytogenetic location: 2p24.3.
Variant type: single nucleotide variant.
Coding change: c.5425A>C on transcript NM_015909.4 (MANE Select); coding-DNA position 5425, A replaced by C.
Protein change: p.Ser1809Arg; replaces serine 1809 with arginine.
Molecular consequence: missense variant. On other transcripts: non-coding transcript variant (1).
Genome position (GRCh38, 1-based): chr2:15,275,783, T>G on the plus strand (A>C on the coding strand, the complement: NBAS is on the minus strand). VCF-style: chr2-15275783-T-G. GRCh37 (hg19) VCF-style: chr2-15415907-T-G.
Other names: short protein forms S1809R.
Identifiers: ClinVar variation 1426363 (VCV001426363.6), dbSNP rs779182119, ClinGen allele CA345883343.

ClinVar aggregate classification (germline): Uncertain significance (1 of 4 stars; one submission).

Submission:

Labcorp Genetics (formerly Invitae), Labcorp
Classification: Uncertain significance. Last evaluated: 2022-09-07. Review status: criteria provided, single submitter. Criteria: Invitae Variant Classification Sherloc (09022015). Collection method: clinical testing. Allele origin: germline.
Comment: This variant has not been reported in the literature in individuals affected with NBAS-related conditions. This variant is not present in population databases (gnomAD no frequency). This sequence change replaces serine, which is neutral and polar, with arginine, which is basic and polar, at codon 1809 of the NBAS protein (p.Ser1809Arg). ClinVar contains an entry for this variant (Variation ID: 1426363). In summary, the available evidence is currently insufficient to determine the role of this variant in disease. Therefore, it has been classified as a Variant of Uncertain Significance. Algorithms developed to predict the effect of missense changes on protein structure and function are either unavailable or do not agree on the potential impact of this missense change (SIFT: "Deleterious"; PolyPhen-2: "Benign"; Align-GVGD: "Class C65").